The following is an entry in ClinVar:

ClinVar aggregate classification (germline): Likely benign. Review status: criteria provided, multiple submitters, no conflicts (2 of 4 stars). 3 submissions from 3 submitters: Likely benign (3). Last evaluated 2026-04-01.

Allele frequency attached by ClinVar (database versions not stated): ExAC 0.00002; gnomAD exomes 0.00003 and 0.00008; gnomAD 0.00005; ESP Exome Variant Server 0.00008; TOPMed 0.00008.
gnomAD v4.1: 123 of 1,613,596 alleles (0.0076%); highest among the groups gnomAD compares: Middle Eastern, 0.049%; 1 homozygote.

Submissions (3):

CeGaT Center for Human Genetics Tuebingen
Classification: Likely benign. Last evaluated: 2026-04-01. Review status: criteria provided, single submitter. Criteria: CeGaT Center For Human Genetics Tuebingen Variant Classification Criteria Version 2. Collection method: clinical testing. Allele origin: germline. Affected: yes. Observed: 1 variant allele.
Comment: C1S: BP4, BP7

Women's Health and Genetics/Laboratory Corporation of America, LabCorp
Classification: Likely benign. Last evaluated: 2026-03-23. Review status: criteria provided, single submitter. Criteria: LabCorp Variant Classification Summary - May 2015. Collection method: clinical testing. Allele origin: germline.

Labcorp Genetics (formerly Invitae), Labcorp
Classification: Likely benign. Last evaluated: 2026-01-27. Review status: criteria provided, single submitter. Criteria: Invitae Variant Classification Sherloc (09022015). Collection method: clinical testing. Allele origin: germline.

NM_001734.5(C1S):c.1944C>T (p.Tyr648=)

Gene: C1S (complement C1s; plus strand). Cytogenetic location: 12p13.31.
Variant type: single nucleotide variant.
Coding change: c.1944C>T on transcript NM_001734.5 (MANE Select); coding-DNA position 1944, C replaced by T.
Protein change: p.Tyr648=; no amino-acid change (tyrosine 648 retained).
Molecular consequence: synonymous variant.
Genome position (GRCh38, 1-based): chr12:7,070,528, C>T. VCF-style: chr12-7070528-C-T. GRCh37 (hg19) VCF-style: chr12-7177832-C-T.
Other names: c.1443C>T, p.Tyr481= (NM_001346850.2); c.1944C>T, p.Tyr648= (NM_201442.4).
Identifiers: ClinVar variation 1080702 (VCV001080702.12), dbSNP rs149101075, ClinGen allele CA6423862.